The following is an entry in ClinVar:

ClinVar aggregate classification (germline): Likely pathogenic (1 of 4 stars; one submission).

Conditions:
Leber congenital amaurosis 3 (LCA3). Also called: SPATA7-Related Retinitis Pigmentosa. Identifiers: MedGen C1858677, MONDO:0011415, OMIM 604232.

Submission:

Labcorp Genetics (formerly Invitae), Labcorp
Classification: Likely pathogenic for Leber congenital amaurosis 3. Last evaluated: 2023-08-08. Review status: criteria provided, single submitter. Criteria: Invitae Variant Classification Sherloc (09022015). Collection method: clinical testing. Allele origin: germline.
Comment: This sequence change affects a donor splice site in intron 5 of the SPATA7 gene. It is expected to disrupt RNA splicing. Variants that disrupt the donor or acceptor splice site typically lead to a loss of protein function (PMID: 16199547), and loss-of-function variants in SPATA7 are known to be pathogenic (PMID: 19268277, 22334370, 23847139, 26047050, 26261414). In summary, the currently available evidence indicates that the variant is pathogenic, but additional data are needed to prove that conclusively. Therefore, this variant has been classified as Likely Pathogenic. Algorithms developed to predict the effect of sequence changes on RNA splicing suggest that this variant may disrupt the consensus splice site. This variant has not been reported in the literature in individuals affected with SPATA7-related conditions. This variant is not present in population databases (gnomAD no frequency).

Literature cited by the submitters: PubMed 16199547; PubMed 19268277; PubMed 22334370; PubMed 23847139; PubMed 26047050; PubMed 26261414.

NM_018418.5(SPATA7):c.372+1G>A

Gene: SPATA7 (spermatogenesis associated 7; plus strand). Cytogenetic location: 14q31.3.
Variant type: single nucleotide variant.
Coding change: c.372+1G>A on transcript NM_018418.5 (MANE Select); the canonical splice donor site of the intron after coding-DNA position 372, G replaced by A.
Molecular consequence: splice donor variant.
Genome position (GRCh38, 1-based): chr14:88,416,845, G>A. VCF-style: chr14-88416845-G-A. GRCh37 (hg19) VCF-style: chr14-88883189-G-A.
Other names: c.276+1G>A (NM_001040428.4).
Identifiers: ClinVar variation 2949162 (VCV002949162.3), dbSNP rs777506416, ClinGen allele CA264525981.